The following is an entry in ClinVar:

ClinVar aggregate classification (germline): Uncertain significance (1 of 4 stars; one submission).

Submission:

GeneDx
Classification: Uncertain significance. Last evaluated: 2023-11-21. Review status: criteria provided, single submitter. Criteria: GeneDx Variant Classification Process June 2021. Collection method: clinical testing. Allele origin: germline. Affected: yes.
Comment: Not observed at significant frequency in large population cohorts (gnomAD); In silico analysis supports that this missense variant does not alter protein structure/function; Has not been previously published as pathogenic or benign to our knowledge

NM_015215.4(CAMTA1):c.4990A>C (p.Ser1664Arg)

Gene: CAMTA1 (calmodulin binding transcription activator 1; plus strand). Cytogenetic location: 1p36.23.
Variant type: single nucleotide variant.
Coding change: c.4990A>C on transcript NM_015215.4 (MANE Select); coding-DNA position 4990, A replaced by C.
Protein change: p.Ser1664Arg; replaces serine 1664 with arginine.
Molecular consequence: missense variant.
Genome position (GRCh38, 1-based): chr1:7,766,459, A>C. VCF-style: chr1-7766459-A-C. GRCh37 (hg19) VCF-style: chr1-7826519-A-C.
Other names: c.4900A>C, p.Ser1634Arg (NM_001349608.2); c.4641A>C, p.Arg1547Ser (NM_001349609.2); c.4666A>C, p.Ser1556Arg (NM_001349610.2); c.4582A>C, p.Ser1528Arg (NM_001349612.2); c.2088A>C, p.Arg696Ser (NM_001349613.1); c.2052A>C, p.Arg684Ser (NM_001349614.1, NM_001349615.2); c.2083A>C, p.Ser695Arg (NM_001349616.2); c.2062A>C, p.Ser688Arg (NM_001349617.1, NM_001349618.2); and 6 more; short protein forms R1516S, R1540S, R1547S, R564S, R571S, R684S, R696S, S1528R.
Identifiers: ClinVar variation 3364011 (VCV003364011.1).